The following is an entry in ClinVar:

NM_014956.5(CEP164):c.815A>G (p.Asp272Gly)

Gene: CEP164 (centrosomal protein 164; plus strand). Cytogenetic location: 11q23.3.
Variant type: single nucleotide variant.
Coding change: c.815A>G on transcript NM_014956.5 (MANE Select); coding-DNA position 815, A replaced by G.
Protein change: p.Asp272Gly; replaces aspartic acid 272 with glycine.
Molecular consequence: missense variant.
Genome position (GRCh38, 1-based): chr11:117,371,129, A>G. VCF-style: chr11-117371129-A-G. GRCh37 (hg19) VCF-style: chr11-117241845-A-G.
Other names: c.815A>G, p.Asp272Gly (NM_001271933.2); short protein forms D272G.
Identifiers: ClinVar variation 645065 (VCV000645065.10), dbSNP rs1411607770, ClinGen allele CA382736104.

ClinVar aggregate classification (germline): Uncertain significance. Review status: criteria provided, multiple submitters, no conflicts (2 of 4 stars). 2 submissions from 2 submitters: Uncertain significance (2). Last evaluated 2023-02-15.

Conditions:
Nephronophthisis 15 (NPHP15). Identifiers: Orphanet 3156, MedGen C3541853, MONDO:0013917, OMIM 614845.
Inborn genetic diseases. Identifiers: MedGen C0950123, MeSH D030342.

Allele frequency attached by ClinVar (database versions not stated): gnomAD exomes below 0.00001.
gnomAD v4.1: 1 of 1,611,728 alleles (0.000062%); highest among the groups gnomAD compares: East Asian, 0.0022%; no homozygotes.

Submissions (2):

Ambry Genetics
Classification: Uncertain significance for Inborn genetic diseases. Last evaluated: 2023-02-15. Review status: criteria provided, single submitter. Criteria: Ambry Variant Classification Scheme 2023. Collection method: clinical testing. Allele origin: germline.

Labcorp Genetics (formerly Invitae), Labcorp
Classification: Uncertain significance for Nephronophthisis 15. Last evaluated: 2022-02-04. Review status: criteria provided, single submitter. Criteria: Invitae Variant Classification Sherloc (09022015). Collection method: clinical testing. Allele origin: germline.
Comment: In summary, the available evidence is currently insufficient to determine the role of this variant in disease. Therefore, it has been classified as a Variant of Uncertain Significance. Algorithms developed to predict the effect of missense changes on protein structure and function output the following: SIFT: "Tolerated"; PolyPhen-2: "Benign"; Align-GVGD: "Class C0". The glycine amino acid residue is found in multiple mammalian species, which suggests that this missense change does not adversely affect protein function. ClinVar contains an entry for this variant (Variation ID: 645065). This variant has not been reported in the literature in individuals affected with CEP164-related conditions. This variant is present in population databases (no rsID available, gnomAD 0.006%). This sequence change replaces aspartic acid, which is acidic and polar, with glycine, which is neutral and non-polar, at codon 272 of the CEP164 protein (p.Asp272Gly).